The following is an entry in ClinVar:

NM_003482.4(KMT2D):c.7595C>T (p.Ser2532Phe)

Gene: KMT2D (lysine methyltransferase 2D; minus strand). Cytogenetic location: 12q13.12.
Variant type: single nucleotide variant.
Coding change: c.7595C>T on transcript NM_003482.4 (MANE Select); coding-DNA position 7595, C replaced by T.
Protein change: p.Ser2532Phe; replaces serine 2532 with phenylalanine.
Molecular consequence: missense variant.
Genome position (GRCh38, 1-based): chr12:49,040,175, G>A on the plus strand (C>T on the coding strand, the complement: KMT2D is on the minus strand). VCF-style: chr12-49040175-G-A. GRCh37 (hg19) VCF-style: chr12-49433958-G-A.
Other names: short protein forms S2532F.
Identifiers: ClinVar variation 1363365 (VCV001363365.10), dbSNP rs749781307, ClinGen allele CA6547030.

ClinVar aggregate classification (germline): Conflicting classifications of pathogenicity. Review status: criteria provided, conflicting classifications (1 of 4 stars). 4 submissions from 4 submitters: Uncertain significance (3); Benign (1). Last evaluated 2025-08-22.

Conditions:
Kabuki syndrome 1 (KABUK1). Also called: KMT2D-Related Kabuki Syndrome. Identifiers: Orphanet 2322, MedGen CN030661, MONDO:0007843, OMIM 147920.
Choanal atresia-athelia-hypothyroidism-delayed puberty-short stature syndrome (BCAHH). Also called: BRANCHIAL ARCH ABNORMALITIES, CHOANAL ATRESIA, ATHELIA, HEARING LOSS, AND HYPOTHYROIDISM SYNDROME. Identifiers: Orphanet 589856, MedGen C5680310, MONDO:0035651, OMIM 620186.
KMT2D-related disorder. Also called: KMT2D-Related Disorders.
Kabuki syndrome. Also called: Kabuki make-up syndrome; NIIKAWA-KUROKI SYNDROME. Identifiers: Orphanet 2322, MedGen C0796004, MONDO:0016512.

Allele frequency attached by ClinVar (database versions not stated): gnomAD 0.00001; gnomAD exomes 0.00001 and 0.00002; ExAC 0.00003.

Submissions (4):

Labcorp Genetics (formerly Invitae), Labcorp
Classification: Benign for Kabuki syndrome. Last evaluated: 2025-08-22. Review status: criteria provided, single submitter. Criteria: Invitae Variant Classification Sherloc (09022015). Collection method: clinical testing. Allele origin: germline.

PreventionGenetics, part of Exact Sciences
Classification: Uncertain significance for KMT2D-related condition. Last evaluated: 2025-07-19. Review status: criteria provided, single submitter. Criteria: ACMG Guidelines, 2015. Collection method: clinical testing. Allele origin: germline.
Comment: The KMT2D c.7595C>T variant is predicted to result in the amino acid substitution p.Ser2532Phe. To our knowledge, this variant has not been reported in the literature. This variant is reported in 0.0039% of alleles in individuals of European (Non-Finnish) descent in gnomAD. At this time, the clinical significance of this variant is uncertain due to the absence of conclusive functional and genetic evidence.

Fulgent Genetics
Classification: Uncertain significance for Kabuki syndrome 1; Choanal atresia-athelia-hypothyroidism-delayed puberty-short stature syndrome. Last evaluated: 2024-02-28. Review status: criteria provided, single submitter. Criteria: ACMG Guidelines, 2015. Collection method: clinical testing. Allele origin: germline.

GeneDx
Classification: Uncertain significance. Last evaluated: 2022-01-27. Review status: criteria provided, single submitter. Criteria: GeneDx Variant Classification Process June 2021. Collection method: clinical testing. Allele origin: germline. Affected: yes.
Comment: In silico analysis supports that this missense variant does not alter protein structure/function; Has not been previously published as pathogenic or benign to our knowledge